The following is an entry in ClinVar:

ClinVar aggregate classification (germline): Conflicting classifications of pathogenicity. Review status: criteria provided, conflicting classifications (1 of 4 stars). 12 submissions from 12 submitters: Uncertain significance (1); Benign (5); Likely benign (3). 3 of the submissions do not count toward it. Last evaluated 2026-03-27.

Conditions:
Cardiovascular phenotype. Identifiers: MedGen CN230736.
Cardiomyopathy (CMYO). Also called: Cardiomyopathies. Identifiers: Orphanet 167848, MedGen C0878544, MONDO:0004994, HP:0001638. Inheritance: Various modes of inheritance.
Dilated cardiomyopathy 1DD (CMD1DD). Identifiers: Orphanet 154, MedGen C2750995, MONDO:0013168, OMIM 613172.

Submissions (12):

Molecular Diagnostic Laboratory for Inherited Cardiovascular Disease, Montreal Heart Institute
Classification: Likely benign. Last evaluated: 2026-03-27. Review status: criteria provided, single submitter. Criteria: ACMG Guidelines, 2015. Collection method: clinical testing. Allele origin: germline. Affected: no.
Comment: BS1;BP6

Labcorp Genetics (formerly Invitae), Labcorp
Classification: Benign for Dilated cardiomyopathy 1DD. Last evaluated: 2026-01-26. Review status: criteria provided, single submitter. Criteria: Invitae Variant Classification Sherloc (09022015). Collection method: clinical testing. Allele origin: germline.

Mayo Clinic Laboratories, Mayo Clinic
Classification: Benign. Last evaluated: 2025-06-05. Review status: criteria provided, single submitter. Criteria: ACMG Guidelines, 2015. Collection method: clinical testing. Allele origin: germline. Observed: 1 variant allele.
Comment: BS1, BS2, BP3

Blueprint Genetics
Classification: Likely benign. Last evaluated: 2024-11-21. Review status: criteria provided, single submitter. Criteria: ACMG Guidelines, 2015. Collection method: clinical testing. Allele origin: germline.

Women's Health and Genetics/Laboratory Corporation of America, LabCorp
Classification: Likely benign. Last evaluated: 2022-04-09. Review status: criteria provided, single submitter. Criteria: LabCorp Variant Classification Summary - May 2015. Collection method: clinical testing. Allele origin: germline.

CHEO Genetics Diagnostic Laboratory, Children's Hospital of Eastern Ontario
Classification: Benign for Cardiomyopathy. Last evaluated: 2017-12-20. Review status: criteria provided, single submitter. Criteria: ACMG Guidelines, 2015. Collection method: clinical testing. Allele origin: germline.

Ambry Genetics
Classification: Benign for Cardiovascular phenotype. Last evaluated: 2017-11-03. Review status: criteria provided, single submitter. Criteria: Ambry Variant Classification Scheme 2023. Collection method: clinical testing. Allele origin: germline.

Laboratory for Molecular Medicine, Mass General Brigham Personalized Medicine
Classification: Benign. Last evaluated: 2015-03-11. Review status: criteria provided, single submitter. Criteria: LMM Criteria. Collection method: clinical testing. Allele origin: germline. Observed: 5 variant alleles.
Comment: p.Gln43_Pro44insGln in exon 1 of RBM20: This variant is not expected to have cli nical significance because it has been identified in 2.0% (133/6770) of South As ian chromosomes by the Exome Aggregation Consortium (ExAC; dbSNP rs397516593).

GeneDx
Classification: Uncertain significance for Cardiomyopathy. Last evaluated: 2014-04-29. Review status: criteria provided, single submitter. Criteria: GeneDx Variant Classification (06012015). Collection method: clinical testing. Allele origin: germline. Affected: yes.
Comment: The c.128_130dupAGC variant in the RBM20 gene has not been reported as a disease-causing mutation or as a benign polymorphism to our knowledge. This in-frame duplication does not occur in any of the domains thought to be critical to protein structure/function including Proline-rich domains, Glutamine-rich domains, or in the RNA Recognition Motif (RRM). The NHLBI ESP Exome Variant Server reports c.128_130dupAGC was not observed in approximately 2000 samples from individuals of European and African American backgrounds, indicating it is not a common benign variant in these populations. However, population data from ethnically-matched backgrounds was not available at the time of this report. With the clinical and molecular information available at this time, we cannot definitively determine if c.128_130dupAGC is a disease-causing mutation or a rare benign variant. The variant is found in DCM,DCM-CRDM panel(s).

Clinical Genetics DNA and cytogenetics Diagnostics Lab, Erasmus MC, Erasmus Medical Center
Classification: Benign. Review status: no assertion criteria provided. Collection method: clinical testing. Allele origin: germline. Affected: yes. Study: VKGL Data-share Consensus. Not counted in ClinVar's aggregate classification.

Clinical Genetics, Academic Medical Center
Classification: Benign. Review status: no assertion criteria provided. Collection method: clinical testing. Allele origin: germline. Affected: yes. Study: VKGL Data-share Consensus. Not counted in ClinVar's aggregate classification.

Joint Genome Diagnostic Labs from Nijmegen and Maastricht, Radboudumc and MUMC+
Classification: Likely benign. Review status: no assertion criteria provided. Collection method: clinical testing. Allele origin: germline. Affected: yes. Study: VKGL Data-share Consensus. Not counted in ClinVar's aggregate classification.

NM_001134363.3(RBM20):c.125AGC[3] (p.Gln43dup)

Gene: RBM20 (RNA binding motif protein 20; plus strand). Cytogenetic location: 10q25.2.
Variant type: Microsatellite.
Coding change: c.125AGC[3] on transcript NM_001134363.3 (MANE Select); three copies in a row of the 3-base unit AGC starting at c.125; the reference has two copies in a row; one copy, 3 bases duplicated; also written c.128_130dup.
Protein change: p.Gln43dup; duplicates glutamine 43.
Molecular consequence: inframe insertion.
Genome position (GRCh38, 1-based): chr10:110,644,582-110,644,584, AGC duplicated; duplicating any 3 consecutive bases within chr10:110,644,577-110,644,584 gives the same sequence; the position shown is the placement nearest the transcript's 3' end. VCF-style (leftmost placement, unchanged base first): chr10-110644576-T-TGCA. GRCh37 (hg19) VCF-style: chr10-112404334-T-TGCA.
Other names: p.Gln43_Pro44insGln; p.Gln43dup; c.128_130dup (NM_001134363.3, NM_001134363.1, NM_001134363.2); c.126_128dup (NM_001134363.2); c.128_130dupAGC (NM_001134363.2).
Identifiers: ClinVar variation 43970 (VCV000043970.32), dbSNP rs397516593, ClinGen allele CA133264.
Genomic context (GRCh38, chr10:110,644,576, plus strand): 5'-GAGTTGCCTGCAGTGTGCCTGGTGCCCGGGCGTCCCCGGCACCCTCCGGCCCGCGAGGGA[T>TGCA]GCAGCAGCCGCCGCCGCCGCCCCAGCCACCGCCCCCGCCCCAAGCCGGCCTACCCCAGAT-3'